The following is an entry in ClinVar:

ClinVar aggregate classification (germline): Uncertain significance (1 of 4 stars; one submission).

Submission:

GeneDx
Classification: Uncertain significance. Last evaluated: 2025-06-20. Review status: criteria provided, single submitter. Criteria: GeneDx Variant Classification Process June 2021. Collection method: clinical testing. Allele origin: germline. Affected: yes.
Comment: Not observed at significant frequency in large population cohorts (gnomAD); In silico analysis suggests that this missense variant does not alter protein structure/function; Has not been previously published as pathogenic or benign to our knowledge

NM_004562.3(PRKN):c.1325G>A (p.Arg442Lys)

Gene: PRKN (parkin RBR E3 ubiquitin protein ligase; minus strand). Cytogenetic location: 6q26.
Variant type: single nucleotide variant.
Coding change: c.1325G>A on transcript NM_004562.3 (MANE Select); coding-DNA position 1325, G replaced by A.
Protein change: p.Arg442Lys; replaces arginine 442 with lysine.
Molecular consequence: missense variant.
Genome position (GRCh38, 1-based): chr6:161,350,172, C>T on the plus strand (G>A on the coding strand, the complement: PRKN is on the minus strand). VCF-style: chr6-161350172-C-T. GRCh37 (hg19) VCF-style: chr6-161771204-C-T.
Other names: c.1241G>A, p.Arg414Lys (NM_013987.3); c.878G>A, p.Arg293Lys (NM_013988.3); short protein forms R293K, R414K, R442K.
Identifiers: ClinVar variation 4538849 (VCV004538849.1).
Genomic context (GRCh38, chr6:161,350,172, plus strand): 5'-CAGTGGTCCCCCATGCAGACGCGGTTCCACTCGCAGCCACAGTTCCAGCACCACTCGAGC[C>T]TGCACTGGGGCTGCGGACACTTCATGTGCATGCAGCCTCCTGTTGGGGGCAGAAAACAAA-3'
Protein context (NP_004553.2, residues 432-452): MHMKCPQPQC[Arg442Lys]LEWCWNCGCE